The following is an entry in ClinVar:

ClinVar aggregate classification (germline): Likely pathogenic. Review status: criteria provided, multiple submitters, no conflicts (2 of 4 stars). 2 submissions from 2 submitters: Likely pathogenic (2). Last evaluated 2026-03-09.

Conditions:
Hereditary factor VIII deficiency disease (HEMA). Also called: HEMOPHILIA, CLASSIC; AUTOSOMAL HEMOPHILIA A; Hemophilia A; Hemophilia A, congenital; HEM A; Factor 8 deficiency, congenital. Identifiers: Orphanet 98878, MedGen C0019069, MONDO:0010602, OMIM 306700.

Submissions (2):

Women's Health and Genetics/Laboratory Corporation of America, LabCorp
Classification: Likely pathogenic for Hereditary factor VIII deficiency disease. Last evaluated: 2026-03-09. Review status: criteria provided, single submitter. Criteria: LabCorp Variant Classification Summary - May 2015. Collection method: clinical testing. Allele origin: germline.
Comment: Variant summary: F8 c.557A>G (p.Asp186Gly), also reported as p.Asp167Gly, results in a non-conservative amino acid change in the encoded protein sequence. Algorithms developed to predict the effect of missense changes on protein structure and function all suggest that this variant is likely to be disruptive. The variant was absent in 183423 control chromosomes. c.557A>G has been observed in at least 2 individual(s) affected with mild Factor VIII Deficiency (Hemophilia A) (example, Vencesla_2008, Cutler_2002). These report(s) do not provide unequivocal conclusions about association of the variant with Factor VIII Deficiency (Hemophilia A). To our knowledge, no experimental evidence demonstrating an impact on protein function has been reported. A different variant affecting the same codon has been classified as likely pathogenic/pathogenic (c.556G>A, p.Asp186Asn), supporting the critical relevance of codon 186 to F8 protein function. The following publications have been ascertained in the context of this evaluation (PMID: 18184865, 11857744, 22533635, 19473423, 40765911, 18459951, 18184865). ClinVar contains an entry for this variant (Variation ID: 1803245). Based on the evidence outlined above, the variant was classified as likely pathogenic.

Genetics and Molecular Pathology, SA Pathology
Classification: Likely pathogenic for Hereditary factor VIII deficiency disease. Last evaluated: 2021-08-18. Review status: criteria provided, single submitter. Criteria: ACMG Guidelines, 2015. Collection method: clinical testing. Allele origin: germline. Inheritance: X-linked recessive inheritance. Affected: yes.
Comment: PM2, PM5, PM1, PP4

Literature cited by the submitters: PubMed 19473423 (cited by Women's Health and Genetics/Laboratory Corporation of America, LabCorp); PubMed 11857744 (cited by Women's Health and Genetics/Laboratory Corporation of America, LabCorp); PubMed 18184865 (cited by Women's Health and Genetics/Laboratory Corporation of America, LabCorp); PubMed 22533635 (cited by Women's Health and Genetics/Laboratory Corporation of America, LabCorp); PubMed 40765911 (cited by Women's Health and Genetics/Laboratory Corporation of America, LabCorp).

NM_000132.4(F8):c.557A>G (p.Asp186Gly)

Gene: F8 (coagulation factor VIII; minus strand). Cytogenetic location: Xq28.
Variant type: single nucleotide variant.
Coding change: c.557A>G on transcript NM_000132.4 (MANE Select); coding-DNA position 557, A replaced by G.
Protein change: p.Asp186Gly; replaces aspartic acid 186 with glycine.
Molecular consequence: missense variant.
Genome position (GRCh38, 1-based): chrX:154,992,980, T>C on the plus strand (A>G on the coding strand, the complement: F8 is on the minus strand). VCF-style: chrX-154992980-T-C. GRCh37 (hg19) VCF-style: chrX-154221255-T-C.
Other names: short protein forms D186G.
Identifiers: ClinVar variation 1803245 (VCV001803245.2), dbSNP rs2523977029, ClinGen allele CA414919457.
Genomic context (GRCh38, chrX:154,992,980, plus strand): 5'-GCTTTCATACACTTACCTTCTCTACATACTAGTAGGGCTCCAATGAGGCCTGAATTCAAG[T>C]CTTTTACCAGGTCCACATGAGAAAGATATGAGTAGGTAAGGCACAGTGGGTCAGAGGCCA-3'
Protein context (NP_000123.1, residues 176-196): SYLSHVDLVK[Asp186Gly]LNSGLIGALL